The following is an entry in ClinVar:

ClinVar aggregate classification (germline): Uncertain significance (1 of 4 stars; one submission).

Conditions:
Hereditary cancer-predisposing syndrome. Also called: Neoplastic Syndromes, Hereditary; Tumor predisposition; Hereditary Cancer Syndrome; Hereditary neoplastic syndrome. Identifiers: Orphanet 140162, MedGen C0027672, MeSH D009386, MONDO:0015356.

Submission:

Ambry Genetics
Classification: Uncertain significance for Hereditary cancer-predisposing syndrome. Last evaluated: 2025-08-22. Review status: criteria provided, single submitter. Criteria: Ambry Variant Classification Scheme 2023. Collection method: clinical testing. Allele origin: germline.
Comment: The p.C360Y variant (also known as c.1079G>A), located in coding exon 8 of the POLD1 gene, results from a G to A substitution at nucleotide position 1079. The cysteine at codon 360 is replaced by tyrosine, an amino acid with highly dissimilar properties. This amino acid position is conserved. In addition, the in silico prediction for this alteration is inconclusive. Since supporting evidence is limited at this time, the clinical significance of this alteration remains unclear.

NM_002691.4(POLD1):c.1079G>A (p.Cys360Tyr)

Gene: POLD1 (DNA polymerase delta 1, catalytic subunit; plus strand). Cytogenetic location: 19q13.33.
Variant type: single nucleotide variant.
Coding change: c.1079G>A on transcript NM_002691.4 (MANE Select); coding-DNA position 1079, G replaced by A.
Protein change: p.Cys360Tyr; replaces cysteine 360 with tyrosine.
Molecular consequence: missense variant. On other transcripts: non-coding transcript variant (1).
Genome position (GRCh38, 1-based): chr19:50,403,161, G>A. VCF-style: chr19-50403161-G-A. GRCh37 (hg19) VCF-style: chr19-50906418-G-A.
Other names: c.1079G>A, p.Cys360Tyr (NM_001256849.1, NM_001308632.1); short protein forms C360Y.
Identifiers: ClinVar variation 1785755 (VCV001785755.3), dbSNP rs1262227952, ClinGen allele CA406978281.
Genomic context (GRCh38, chr19:50,403,161, plus strand): 5'-TGGGCCTGCGCTGGGGGGAGCCGGAGCCCTTCCTACGCCTGGCGCTCACCCTGCGGCCCT[G>A]TGCCCCCATCCTGGGTGCCAAGGTGCAGAGCTACGAGAAGGAGGAGGACCTGCTGCAGGT-3'
Protein context (NP_002682.2, residues 350-370): FLRLALTLRP[Cys360Tyr]APILGAKVQS